The following is an entry in ClinVar:

NM_001330691.3(CEP78):c.167C>T (p.Ala56Val)

Gene: CEP78 (centrosomal protein 78; plus strand). Cytogenetic location: 9q21.2.
Variant type: single nucleotide variant.
Coding change: c.167C>T on transcript NM_001330691.3 (MANE Select); coding-DNA position 167, C replaced by T.
Protein change: p.Ala56Val; replaces alanine 56 with valine.
Molecular consequence: missense variant.
Genome position (GRCh38, 1-based): chr9:78,236,517, C>T. VCF-style: chr9-78236517-C-T. GRCh37 (hg19) VCF-style: chr9-80851433-C-T.
Other names: c.167C>T, p.Ala56Val (NM_001098802.3, NM_001330693.3, NM_001330694.2 and 4 more transcripts); short protein forms A56V.
Identifiers: ClinVar variation 937162 (VCV000937162.10), dbSNP rs878905366, ClinGen allele CA373999393.

ClinVar aggregate classification (germline): Uncertain significance. Review status: criteria provided, multiple submitters, no conflicts (2 of 4 stars). 2 submissions from 2 submitters: Uncertain significance (2). Last evaluated 2025-06-19.

Conditions:
Inborn genetic diseases. Identifiers: MedGen C0950123, MeSH D030342.

Allele frequency attached by ClinVar (database versions not stated): TOPMed below 0.00001.
gnomAD v4.1: 4 of 1,606,588 alleles (0.00025%); highest among the groups gnomAD compares: Non-Finnish European, 0.00034%; no homozygotes.

Submissions (2):

Ambry Genetics
Classification: Uncertain significance for Inborn genetic diseases. Last evaluated: 2025-06-19. Review status: criteria provided, single submitter. Criteria: Ambry Variant Classification Scheme 2023. Collection method: clinical testing. Allele origin: germline.

Labcorp Genetics (formerly Invitae), Labcorp
Classification: Uncertain significance. Last evaluated: 2019-09-27. Review status: criteria provided, single submitter. Criteria: Invitae Variant Classification Sherloc (09022015). Collection method: clinical testing. Allele origin: germline.
Comment: This variant has not been reported in the literature in individuals with CEP78-related conditions. This sequence change replaces alanine with valine at codon 56 of the CEP78 protein (p.Ala56Val). The alanine residue is weakly conserved and there is a small physicochemical difference between alanine and valine. This variant is not present in population databases (ExAC no frequency). Algorithms developed to predict the effect of missense changes on protein structure and function (SIFT, PolyPhen-2, Align-GVGD) all suggest that this variant is likely to be tolerated, but these predictions have not been confirmed by published functional studies and their clinical significance is uncertain. In summary, the available evidence is currently insufficient to determine the role of this variant in disease. Therefore, it has been classified as a Variant of Uncertain Significance.